The following is an entry in ClinVar:

NM_002047.4(GARS1):c.2073_2074del (p.Met692fs)

Gene: GARS1 (glycyl-tRNA synthetase 1; plus strand). Cytogenetic location: 7p14.3.
Variant type: Deletion.
Coding change: c.2073_2074del on transcript NM_002047.4 (MANE Select); coding-DNA positions 2073 to 2074, 2 bases deleted (AA; older notation c.2073_2074delAA).
Protein change: p.Met692fs; shifts the reading frame from methionine 692.
Molecular consequence: frameshift variant.
Genome position (GRCh38, 1-based): chr7:30,632,416-30,632,417, AA deleted. VCF-style (leftmost placement, unchanged base first): chr7-30632415-CAA-C. GRCh37 (hg19) VCF-style: chr7-30672031-CAA-C.
Other names: c.1911_1912del, p.Met638fs (NM_001316772.1); short protein forms M638fs, M692fs.
Identifiers: ClinVar variation 2193709 (VCV002193709.4), dbSNP rs1783255607, ClinGen allele CA1099843348.
Genomic context (GRCh38, chr7:30,632,415, plus strand): 5'-CCATTGACTTTGACACAGTGAACAAGACCCCCCACACTGCAACTCTGAGGGACCGTGACT[CAA>C]TGCGGCAGATAAGAGCAGAGGTATCTGGCCTTCTCTTTGGCATTTTTAGCCTTAGAAATG-3'

ClinVar aggregate classification (germline): Uncertain significance (1 of 4 stars; one submission).

Conditions:
Charcot-Marie-Tooth disease type 2. Also called: Charcot-Marie-Tooth type 2. Identifiers: Orphanet 64746, MedGen C0270914, MONDO:0018993.

Allele frequency attached by ClinVar (database versions not stated): gnomAD 0.00001; TOPMed 0.00001; gnomAD exomes below 0.00001.

Submission:

Labcorp Genetics (formerly Invitae), Labcorp
Classification: Uncertain significance for Charcot-Marie-Tooth disease type 2. Last evaluated: 2022-07-21. Review status: criteria provided, single submitter. Criteria: Invitae Variant Classification Sherloc (09022015). Collection method: clinical testing. Allele origin: germline.
Comment: This variant is not present in population databases (gnomAD no frequency). In summary, the available evidence is currently insufficient to determine the role of this variant in disease. Therefore, it has been classified as a Variant of Uncertain Significance. Experimental studies and prediction algorithms are not available or were not evaluated, and the functional significance of this variant is currently unknown. This variant has not been reported in the literature in individuals affected with GARS-related conditions. This sequence change creates a premature translational stop signal (p.Met692Alafs*9) in the GARS gene. While this is not anticipated to result in nonsense mediated decay, it is expected to disrupt the last 48 amino acid(s) of the GARS protein.